The following is an entry in ClinVar:

ClinVar aggregate classification (germline): Pathogenic (1 of 4 stars; one submission).

Submission:

Labcorp Genetics (formerly Invitae), Labcorp
Classification: Pathogenic. Last evaluated: 2023-04-30. Review status: criteria provided, single submitter. Criteria: Invitae Variant Classification Sherloc (09022015). Collection method: clinical testing. Allele origin: germline.
Comment: For these reasons, this variant has been classified as Pathogenic. ClinVar contains an entry for this variant (Variation ID: 1387856). This variant has not been reported in the literature in individuals affected with MUT-related conditions. This variant is not present in population databases (gnomAD no frequency). This sequence change creates a premature translational stop signal (p.Ser524Alafs*14) in the MUT gene. It is expected to result in an absent or disrupted protein product. Loss-of-function variants in MUT are known to be pathogenic (PMID: 15781192).

Literature cited by the submitters: PubMed 15781192.

NM_000255.4(MMUT):c.1569del (p.Ser524fs)

Gene: MMUT (methylmalonyl-CoA mutase; minus strand). Cytogenetic location: 6p12.3.
Variant type: Deletion.
Coding change: c.1569del on transcript NM_000255.4 (MANE Select); coding-DNA position 1569, one base deleted (C; older notation c.1569delC).
Protein change: p.Ser524fs; shifts the reading frame from serine 524.
Molecular consequence: frameshift variant.
Genome position (GRCh38, 1-based): chr6:49,444,746, G deleted on the plus strand (C on the coding strand, the reverse complement: MMUT is on the minus strand); the first of 2 consecutive G bases (chr6:49,444,746-49,444,747); deleting either gives the same sequence. VCF-style (leftmost placement, unchanged base first): chr6-49444745-TG-T. GRCh37 (hg19) VCF-style: chr6-49412458-TG-T.
Other names: short protein forms S524fs.
Identifiers: ClinVar variation 1387856 (VCV001387856.6), dbSNP rs2127416017, ClinGen allele CA2573140878.
Genomic context (GRCh38, chr6:49,444,745, plus strand): 5'-CGCTAGCAGCACATTCGGTTAGTGCAGCAAGACAACGTTCAGCCAAAGCTTGATCCCTGC[TG>T]GATTTGATCTATGGAAAAAGTCAAGGAAAGGGACAATTTACATGAAGAGAGAATAAAACA-3'